The following is an entry in ClinVar:

ClinVar aggregate classification (germline): Likely benign (1 of 4 stars; one submission).

Conditions:
Mitochondrial DNA depletion syndrome, myopathic form (MTDPS2). Also called: MITOCHONDRIAL DNA DEPLETION MYOPATHY, TK2-RELATED; TK2-Related Mitochondrial DNA Maintenance Defect, Myopathic Form; MITOCHONDRIAL DNA DEPLETION SYNDROME 2 (MYOPATHIC TYPE). Identifiers: Orphanet 254875, MedGen C3149750, MONDO:0012301, OMIM 609560.

Allele frequency attached by ClinVar (database versions not stated): 1000 Genomes Project 30x 0.00359; 1000 Genomes Project 0.00379; TOPMed 0.00423; gnomAD 0.00437 and 0.00462.

Submission:

Illumina Laboratory Services, Illumina
Classification: Likely benign for Mitochondrial DNA depletion syndrome, myopathic form. Last evaluated: 2018-01-12. Review status: criteria provided, single submitter. Criteria: ICSL Variant Classification Criteria 13 December 2019. Collection method: clinical testing. Allele origin: germline.
Comment: This variant was observed in the ICSL laboratory as part of a predisposition screen in an ostensibly healthy population. It had not been previously curated by ICSL or reported in the Human Gene Mutation Database (HGMD: prior to June 1st, 2018), and was therefore a candidate for classification through an automated scoring system. Utilizing variant allele frequency, disease prevalence and penetrance estimates, and inheritance mode, an automated score was calculated to assess if this variant is too frequent to cause the disease. Based on the score and internal cut-off values, a variant classified as likely benign is not then subjected to further curation. The score for this variant resulted in a classification of likely benign for this disease.

NM_004614.5(TK2):c.*760T>G

Gene: TK2 (thymidine kinase 2; minus strand). Cytogenetic location: 16q21.
Variant type: single nucleotide variant.
Coding change: c.*760T>G on transcript NM_004614.5 (MANE Select); 760 bases downstream of the stop codon, T replaced by G.
Molecular consequence: 3 prime UTR variant. On other transcripts: non-coding transcript variant (1).
Genome position (GRCh38, 1-based): chr16:66,511,208, A>C on the plus strand (T>G on the coding strand, the complement: TK2 is on the minus strand). VCF-style: chr16-66511208-A-C. GRCh37 (hg19) VCF-style: chr16-66545111-A-C.
Other names: c.*760T>G (NM_001172643.1, NM_001172644.2, NM_001172645.2 and 2 more transcripts); c.*855T>G (NM_001271935.1).
Identifiers: ClinVar variation 887614 (VCV000887614.4), dbSNP rs149832105, ClinGen allele CA282171425.
Genomic context (GRCh38, chr16:66,511,208, plus strand): 5'-CAGTTCAAGCAGGACCTTAATCACCAAGGAGACTGAGCACCCTTCAGGAGCCAGCATGTG[A>C]ATCTCAATGTCCACATGAAGATGTGGTAGATGGGGCTGCAGCGACCTCGGGCAGGGAAAC-3'